The following is an entry in ClinVar:

ClinVar aggregate classification (germline): Uncertain significance (1 of 4 stars; one submission).

Conditions:
Congenital disorder of glycosylation, type Ii. Also called: ALG2-congenital disorder of glycosylation; CDG Ii; ALG2-CDG. Identifiers: Orphanet 79326, MedGen C1842836, MONDO:0011933, OMIM 607906.
Congenital myasthenic syndrome 14. Also called: Myasthenic syndrome, congenital, 14, with tubular aggregates. Identifiers: Orphanet 353327, Orphanet 590, MedGen C4015597, MONDO:0014543, OMIM 616228.

Submission:

Labcorp Genetics (formerly Invitae), Labcorp
Classification: Uncertain significance for Congenital disorder of glycosylation, type Ii; Congenital myasthenic syndrome 14. Last evaluated: 2022-01-18. Review status: criteria provided, single submitter. Criteria: Invitae Variant Classification Sherloc (09022015). Collection method: clinical testing. Allele origin: germline.
Comment: In summary, the available evidence is currently insufficient to determine the role of this variant in disease. Therefore, it has been classified as a Variant of Uncertain Significance. Algorithms developed to predict the effect of missense changes on protein structure and function (SIFT, PolyPhen-2, Align-GVGD) all suggest that this variant is likely to be tolerated. This variant has not been reported in the literature in individuals affected with ALG2-related conditions. This variant is not present in population databases (gnomAD no frequency). This sequence change replaces aspartic acid, which is acidic and polar, with asparagine, which is neutral and polar, at codon 106 of the ALG2 protein (p.Asp106Asn).

NM_033087.4(ALG2):c.316G>A (p.Asp106Asn)

Gene: ALG2 (ALG2 alpha-1,3/1,6-mannosyltransferase; minus strand). Cytogenetic location: 9q22.33.
Variant type: single nucleotide variant.
Coding change: c.316G>A on transcript NM_033087.4 (MANE Select); coding-DNA position 316, G replaced by A.
Protein change: p.Asp106Asn; replaces aspartic acid 106 with asparagine.
Molecular consequence: missense variant. On other transcripts: non-coding transcript variant (1).
Genome position (GRCh38, 1-based): chr9:99,221,579, C>T on the plus strand (G>A on the coding strand, the complement: ALG2 is on the minus strand). VCF-style: chr9-99221579-C-T. GRCh37 (hg19) VCF-style: chr9-101983861-C-T.
Other names: short protein forms D106N.
Identifiers: ClinVar variation 2087827 (VCV002087827.3), dbSNP rs2490391121, ClinGen allele CA374231258.